The following is an entry in ClinVar:

ClinVar aggregate classification (germline): Uncertain significance (1 of 4 stars; one submission).

Conditions:
Hereditary cancer-predisposing syndrome. Also called: Hereditary Cancer Syndrome; Neoplastic Syndromes, Hereditary; Tumor predisposition; Hereditary neoplastic syndrome. Identifiers: Orphanet 140162, MedGen C0027672, MeSH D009386, MONDO:0015356.

Submission:

Ambry Genetics
Classification: Uncertain significance for Hereditary cancer-predisposing syndrome. Last evaluated: 2022-10-07. Review status: criteria provided, single submitter. Criteria: Ambry Variant Classification Scheme 2023. Collection method: clinical testing. Allele origin: germline.
Comment: The p.Y175F variant (also known as c.524A>T), located in coding exon 5 of the PRKAR1A gene, results from an A to T substitution at nucleotide position 524. The tyrosine at codon 175 is replaced by phenylalanine, an amino acid with highly similar properties. This amino acid position is conserved. In addition, this alteration is predicted to be deleterious by in silico analysis. Since supporting evidence is limited at this time, the clinical significance of this alteration remains unclear.

NM_002734.5(PRKAR1A):c.524A>T (p.Tyr175Phe)

Gene: PRKAR1A (protein kinase cAMP-dependent type I regulatory subunit alpha; plus strand). Cytogenetic location: 17q24.2.
Variant type: single nucleotide variant.
Coding change: c.524A>T on transcript NM_002734.5 (MANE Select); coding-DNA position 524, A replaced by T.
Protein change: p.Tyr175Phe; replaces tyrosine 175 with phenylalanine.
Molecular consequence: missense variant.
Genome position (GRCh38, 1-based): chr17:68,524,933, A>T. VCF-style: chr17-68524933-A-T. GRCh37 (hg19) VCF-style: chr17-66521074-A-T.
Other names: c.524A>T, p.Tyr175Phe (NM_001276289.2, NM_001276290.1, NM_001278433.2 and 4 more transcripts); short protein forms Y175F.
Identifiers: ClinVar variation 1746336 (VCV001746336.2), dbSNP rs2509412783, ClinGen allele CA400752979.